The following is an entry in ClinVar:

NM_001672.3(ASIP):c.13C>T (p.Arg5Cys)

Genes: AHCY (adenosylhomocysteinase; minus strand), ASIP (agouti signaling protein; plus strand). Cytogenetic location: 20q11.22.
Variant type: single nucleotide variant.
Coding change: c.13C>T on transcript NM_001672.3 (MANE Select); coding-DNA position 13, C replaced by T.
Protein change: p.Arg5Cys; replaces arginine 5 with cysteine.
Molecular consequence: missense variant.
Genome position (GRCh38, 1-based): chr20:34,260,387, C>T. VCF-style: chr20-34260387-C-T. GRCh37 (hg19) VCF-style: chr20-32848193-C-T.
Other names: c.13C>T, p.Arg5Cys (NM_001385218.1); short protein forms R5C.
Identifiers: ClinVar variation 4977692 (VCV004977692.1).

ClinVar aggregate classification (germline): Uncertain significance (1 of 4 stars; one submission).

Conditions:
ASIP-related condition.

gnomAD v4.1: 21 of 1,613,500 alleles (0.0013%); highest among the groups gnomAD compares: African/African-American, 0.0067%; no homozygotes.

Submission:

PreventionGenetics, part of Exact Sciences
Classification: Uncertain significance for ASIP-related condition. Last evaluated: 2026-04-07. Review status: criteria provided, single submitter. Criteria: ACMG Guidelines, 2015. Collection method: clinical testing. Allele origin: germline.
Comment: The ASIP c.13C>T variant is predicted to result in the amino acid substitution p.Arg5Cys. To our knowledge, this variant has not been reported in the literature. This variant is reported in 0.0018% of alleles in individuals of European (Non-Finnish) descent in gnomAD. At this time, the clinical significance of this variant is uncertain due to the absence of conclusive functional and genetic evidence.